The following is an entry in ClinVar:

ClinVar aggregate classification (germline): Uncertain significance (1 of 4 stars; one submission).

Conditions:
Pitt-Hopkins-like syndrome 2 (PTHSL2). Identifiers: Orphanet 221150, Orphanet 600663, MedGen C3280479, MONDO:0013690, OMIM 614325.

gnomAD v4.1: 7 of 1,613,944 alleles (0.00043%); highest among the groups gnomAD compares: Middle Eastern, 0.016%; no homozygotes.

Submission:

Labcorp Genetics (formerly Invitae), Labcorp
Classification: Uncertain significance for Pitt-Hopkins-like syndrome 2. Last evaluated: 2022-02-05. Review status: criteria provided, single submitter. Criteria: Invitae Variant Classification Sherloc (09022015). Collection method: clinical testing. Allele origin: germline.
Comment: This variant has not been reported in the literature in individuals affected with NRXN1-related conditions. In summary, the available evidence is currently insufficient to determine the role of this variant in disease. Therefore, it has been classified as a Variant of Uncertain Significance. Algorithms developed to predict the effect of missense changes on protein structure and function are either unavailable or do not agree on the potential impact of this missense change (SIFT: "Deleterious"; PolyPhen-2: "Benign"; Align-GVGD: "Class C0"). ClinVar contains an entry for this variant (Variation ID: 1047340). This variant is not present in population databases (gnomAD no frequency). This sequence change replaces proline, which is neutral and non-polar, with leucine, which is neutral and non-polar, at codon 1528 of the NRXN1 protein (p.Pro1528Leu).

NM_001330078.2(NRXN1):c.4463C>T (p.Pro1488Leu)

Gene: NRXN1 (neurexin 1; minus strand). Cytogenetic location: 2p16.3.
Variant type: single nucleotide variant.
Coding change: c.4463C>T on transcript NM_001330078.2 (MANE Select); coding-DNA position 4463, C replaced by T.
Protein change: p.Pro1488Leu; replaces proline 1488 with leucine.
Molecular consequence: missense variant.
Genome position (GRCh38, 1-based): chr2:49,922,005, G>A on the plus strand (C>T on the coding strand, the complement: NRXN1 is on the minus strand). VCF-style: chr2-49922005-G-A. GRCh37 (hg19) VCF-style: chr2-50149143-G-A.
Other names: c.4583C>T, p.Pro1528Leu (NM_001135659.3); c.368C>T, p.Pro123Leu (NM_001320156.4); c.359C>T, p.Pro120Leu (NM_001320157.4); c.4439C>T, p.Pro1480Leu (NM_001330077.2); c.4430C>T, p.Pro1477Leu (NM_001330082.2); c.4298C>T, p.Pro1433Leu (NM_001330083.2); c.4397C>T, p.Pro1466Leu (NM_001330084.2); c.4436C>T, p.Pro1479Leu (NM_001330085.2); and 12 more; short protein forms P1428L, P1441L, P1466L, P1487L, P420L, P423L, P120L, P123L.
Identifiers: ClinVar variation 1047340 (VCV001047340.8), dbSNP rs941096154, ClinGen allele CA346818291.
Genomic context (GRCh38, chr2:49,922,005, plus strand): 5'-CAGACATAATACTCTTTATCCTTGTTTTTCTTATTTTTGTTGGAGCTTTTCGCACTGCTG[G>A]GTTGTTTCTCCTTTACAACAGCCCCATTGGACTGTGCTGAGTTACTGATGTAGTTTCGAC-3'
Protein context (NP_001317007.1, residues 1478-1498): SNGAVVKEKQ[Pro1488Leu]SSAKSSNKNK